The following is an entry in ClinVar:

NM_012073.5(CCT5):c.1499-10T>G

Gene: CCT5 (chaperonin containing TCP1 subunit 5; plus strand). Cytogenetic location: 5p15.2.
Variant type: single nucleotide variant.
Coding change: c.1499-10T>G on transcript NM_012073.5 (MANE Select); 10 bases into the intron before coding-DNA position 1499, T replaced by G.
Molecular consequence: intron variant.
Genome position (GRCh38, 1-based): chr5:10,264,646, T>G. VCF-style: chr5-10264646-T-G. GRCh37 (hg19) VCF-style: chr5-10264758-T-G.
Other names: c.1436-10T>G (NM_001306153.1); c.1334-10T>G (NM_001306154.2); c.1385-10T>G (NM_001306156.2); c.1220-10T>G (NM_001306155.2).
Identifiers: ClinVar variation 1061893 (VCV001061893.7), dbSNP rs903114794, ClinGen allele CA443262477.

ClinVar aggregate classification (germline): Uncertain significance (1 of 4 stars; one submission).

Conditions:
Hereditary sensory and autonomic neuropathy with spastic paraplegia (HSNSP). Identifiers: Orphanet 139578, MedGen C1850395, MONDO:0009748, OMIM 256840.

Allele frequency attached by ClinVar (database versions not stated): TOPMed below 0.00001.
gnomAD v4.1: 13 of 1,577,276 alleles (0.00082%); highest among the groups gnomAD compares: Non-Finnish European, 0.0011%; no homozygotes.

Submission:

Labcorp Genetics (formerly Invitae), Labcorp
Classification: Uncertain significance for Hereditary sensory and autonomic neuropathy with spastic paraplegia. Last evaluated: 2021-10-04. Review status: criteria provided, single submitter. Criteria: Invitae Variant Classification Sherloc (09022015). Collection method: clinical testing. Allele origin: germline.
Comment: In summary, the available evidence is currently insufficient to determine the role of this variant in disease. Therefore, it has been classified as a Variant of Uncertain Significance. Algorithms developed to predict the effect of sequence changes on RNA splicing suggest that this variant may disrupt the consensus splice site. This variant has not been reported in the literature in individuals affected with CCT5-related conditions. This variant is not present in population databases (ExAC no frequency). This sequence change falls in intron 10 of the CCT5 gene. It does not directly change the encoded amino acid sequence of the CCT5 protein.